The following is an entry in ClinVar:

NM_053025.4(MYLK):c.2326G>A (p.Val776Met)

Gene: MYLK (myosin light chain kinase; minus strand). Cytogenetic location: 3q21.1.
Variant type: single nucleotide variant.
Coding change: c.2326G>A on transcript NM_053025.4 (MANE Select); coding-DNA position 2326, G replaced by A.
Protein change: p.Val776Met; replaces valine 776 with methionine.
Molecular consequence: missense variant.
Genome position (GRCh38, 1-based): chr3:123,707,818, C>T on the plus strand (G>A on the coding strand, the complement: MYLK is on the minus strand). VCF-style: chr3-123707818-C-T. GRCh37 (hg19) VCF-style: chr3-123426665-C-T.
Other names: c.1798G>A, p.Val600Met (NM_001321309.2); c.2119G>A, p.Val707Met (NM_053026.4, NM_053028.4); c.2326G>A, p.Val776Met (NM_053027.4); short protein forms V776M, V600M, V707M.
Identifiers: ClinVar variation 546943 (VCV000546943.54), dbSNP rs372707781, ClinGen allele CA068395.
Genomic context (GRCh38, chr3:123,707,818, plus strand): 5'-GCAGGATCTCATACTGGCCGGCATGCCAGGGCTGCACCTTCTTTAGAACCAGGGTGAACA[C>T]GTCCTCATTCTGAAGCACCTCGAAGTGGCCAGTGTCTTTGCAGAGGGCTTTGCCATCTCT-3'
Protein context (NP_444253.3, residues 766-786): GHFEVLQNED[Val776Met]FTLVLKKVQP

ClinVar aggregate classification (germline): Conflicting classifications of pathogenicity. Review status: criteria provided, conflicting classifications (1 of 4 stars). 4 submissions from 4 submitters: Uncertain significance (3); Likely benign (1). Last evaluated 2026-01-27.

Conditions:
Aortic aneurysm, familial thoracic 7 (AAT7). Also called: AORTIC DISSECTION, FAMILIAL, WITH OR WITHOUT AORTIC ANEURYSM. Identifiers: MedGen C3151077, MONDO:0013418, OMIM 613780.
Familial thoracic aortic aneurysm and aortic dissection (TAAD). Also called: Thoracic aortic aneurysms and dissections. Identifiers: Orphanet 91387, MedGen C4707243, MONDO:0019625.

Allele frequency attached by ClinVar (database versions not stated): gnomAD 0.00006 and 0.00007; TOPMed 0.00007; ESP Exome Variant Server 0.00008; ExAC 0.00009; gnomAD exomes 0.00012.

Submissions (4):

Labcorp Genetics (formerly Invitae), Labcorp
Classification: Likely benign for Aortic aneurysm, familial thoracic 7. Last evaluated: 2026-01-27. Review status: criteria provided, single submitter. Criteria: Invitae Variant Classification Sherloc (09022015). Collection method: clinical testing. Allele origin: germline.

ARUP Laboratories, Molecular Genetics and Genomics, ARUP Laboratories
Classification: Uncertain significance. Last evaluated: 2025-02-27. Review status: criteria provided, single submitter. Criteria: ARUP Molecular Germline Variant Investigation Process 2024. Collection method: clinical testing. Allele origin: germline.
Comment: The MYLK c.2326G>A; p.Val776Met variant (rs372707781), to our knowledge, is not reported in the medical literature but is reported in ClinVar (Variation ID: 546943). This variant is found in the South Asian population with an allele frequency of 0.075% (23/30616 alleles) in the Genome Aggregation Database (v2.1.1). Computational analyses are uncertain whether this variant is neutral or deleterious (REVEL: 0.291). Due to limited information, the clinical significance of this variant is uncertain at this time.

Ambry Genetics
Classification: Uncertain significance for Familial thoracic aortic aneurysm and aortic dissection. Last evaluated: 2024-12-05. Review status: criteria provided, single submitter. Criteria: Ambry Variant Classification Scheme 2023. Collection method: clinical testing. Allele origin: germline.
Comment: The p.V776M variant (also known as c.2326G>A), located in coding exon 13 of the MYLK gene, results from a G to A substitution at nucleotide position 2326. The valine at codon 776 is replaced by methionine, an amino acid with highly similar properties. This amino acid position is well conserved in available vertebrate species. In addition, this alteration is predicted to be tolerated by in silico analysis. Since supporting evidence is limited at this time, the clinical significance of this alteration remains unclear.

CeGaT Center for Human Genetics Tuebingen
Classification: Uncertain significance. Last evaluated: 2021-06-01. Review status: criteria provided, single submitter. Criteria: CeGaT Center For Human Genetics Tuebingen Variant Classification Criteria Version 2. Collection method: clinical testing. Allele origin: germline. Affected: yes. Observed: 2 variant alleles.